The following is an entry in ClinVar:

ClinVar aggregate classification (germline): Uncertain significance (1 of 4 stars; one submission).

Allele frequency attached by ClinVar (database versions not stated): gnomAD 0.00001.
gnomAD v4.1: 1 of 1,612,066 alleles (0.000062%); highest among the groups gnomAD compares: Non-Finnish European, 0.000085%; no homozygotes.

Submission:

GeneDx
Classification: Uncertain significance. Last evaluated: 2022-09-12. Review status: criteria provided, single submitter. Criteria: GeneDx Variant Classification Process June 2021. Collection method: clinical testing. Allele origin: germline. Affected: yes.
Comment: Has not been previously published as pathogenic or benign to our knowledge; Not observed at significant frequency in large population cohorts (gnomAD); Located in a region of TTN within the I-band in which the majority of loss of function variants are significantly associated with autosomal dominant titinopathies (Deo et al., 2016; Schafer et al., 2017); In silico analysis suggests this variant may impact gene splicing. In the absence of RNA/functional studies, the actual effect of this sequence change is unknown.; This variant is associated with the following publications: (PMID: 27625338, 27869827)

NM_001267550.2(TTN):c.45977A>G (p.Asn15326Ser)

Gene: TTN (titin; minus strand). Cytogenetic location: 2q31.2.
Variant type: single nucleotide variant.
Coding change: c.45977A>G on transcript NM_001267550.2 (MANE Select); coding-DNA position 45977, A replaced by G.
Protein change: p.Asn15326Ser; replaces asparagine 15326 with serine.
Molecular consequence: missense variant.
Genome position (GRCh38, 1-based): chr2:178,620,544, T>C on the plus strand (A>G on the coding strand, the complement: TTN is on the minus strand). VCF-style: chr2-178620544-T-C. GRCh37 (hg19) VCF-style: chr2-179485271-T-C.
Other names: c.41054A>G, p.Asn13685Ser (NM_001256850.1); c.18782A>G, p.Asn6261Ser (NM_003319.4); c.38273A>G, p.Asn12758Ser (NM_133378.4); c.19157A>G, p.Asn6386Ser (NM_133432.3); c.19358A>G, p.Asn6453Ser (NM_133437.4); short protein forms N12758S, N13685S, N15326S, N6261S, N6386S, N6453S.
Identifiers: ClinVar variation 2443668 (VCV002443668.1), dbSNP rs2058104840, ClinGen allele CA349630197.